The following is an entry in ClinVar:

NM_001130438.3(SPTAN1):c.1927C>T (p.His643Tyr)

Gene: SPTAN1 (spectrin alpha, non-erythrocytic 1; plus strand). Cytogenetic location: 9q34.11.
Variant type: single nucleotide variant.
Coding change: c.1927C>T on transcript NM_001130438.3 (MANE Select); coding-DNA position 1927, C replaced by T.
Protein change: p.His643Tyr; replaces histidine 643 with tyrosine.
Molecular consequence: missense variant.
Genome position (GRCh38, 1-based): chr9:128,583,197, C>T. VCF-style: chr9-128583197-C-T. GRCh37 (hg19) VCF-style: chr9-131345476-C-T.
Other names: c.1927C>T, p.His643Tyr (NM_001195532.2, NM_001363759.2, NM_001363765.2 and 5 more transcripts); c.1963C>T, p.His655Tyr (NM_001375312.2, NM_001375318.1); short protein forms H655Y, H643Y.
Identifiers: ClinVar variation 1917407 (VCV001917407.5), dbSNP rs2541169891, ClinGen allele CA375055746.
Genomic context (GRCh38, chr9:128,583,197, plus strand): 5'-GCAAACCAGAGCCGAATTGATGCCTTGGAGAAAGCTGGCCAAAAGCTGATTGATGTCAAC[C>T]ACTATGCCAAGGATGAAGTGGCAGCTCGTATGAATGAGGTGATCAGTTTGTGGAAGAAAC-3'
Protein context (NP_001123910.1, residues 633-653): KAGQKLIDVN[His643Tyr]YAKDEVAARM

ClinVar aggregate classification (germline): Uncertain significance (1 of 4 stars; one submission).

Conditions:
Early-infantile DEE. Also called: Early infantile epileptic encephalopathy; Ohtahara syndrome; Early infantile epileptic encephalopathy with suppression bursts. Identifiers: Orphanet 1934, MedGen C0393706, MONDO:0800491.

Submission:

Labcorp Genetics (formerly Invitae), Labcorp
Classification: Uncertain significance for Early-infantile DEE. Last evaluated: 2022-08-15. Review status: criteria provided, single submitter. Criteria: Invitae Variant Classification Sherloc (09022015). Collection method: clinical testing. Allele origin: germline.
Comment: Algorithms developed to predict the effect of missense changes on protein structure and function (SIFT, PolyPhen-2, Align-GVGD) all suggest that this variant is likely to be disruptive. In summary, the available evidence is currently insufficient to determine the role of this variant in disease. Therefore, it has been classified as a Variant of Uncertain Significance. This sequence change replaces histidine, which is basic and polar, with tyrosine, which is neutral and polar, at codon 643 of the SPTAN1 protein (p.His643Tyr). This variant is not present in population databases (gnomAD no frequency). This variant has not been reported in the literature in individuals affected with SPTAN1-related conditions.